The following is an entry in ClinVar:

ClinVar aggregate classification (germline): Uncertain significance (1 of 4 stars; one submission).

Conditions:
Arrhythmogenic cardiomyopathy with wooly hair and keratoderma. Also called: Carvajal syndrome; PALMOPLANTAR KERATODERMA WITH LEFT VENTRICULAR CARDIOMYOPATHY AND WOOLLY HAIR; Dilated cardiomyopathy with woolly hair and keratoderma; Arrhythmogenic cardiomyopathy with woolly hair and keratoderma. Identifiers: Orphanet 65282, MedGen C1854063, MONDO:0011581, OMIM 605676.

Submission:

All of Us Research Program, National Institutes of Health
Classification: Uncertain significance for Arrhythmogenic cardiomyopathy with wooly hair and keratoderma. Last evaluated: 2024-08-06. Review status: criteria provided, single submitter. Criteria: ACMG Guidelines, 2015. Collection method: clinical testing. Allele origin: germline. Inheritance: Autosomal dominant inheritance. Observed: 1 variant allele, 1 heterozygote.
Comment: This study involves interpretation of variants in research participants for the purpose of population health screening. Participant phenotype was not available at the time of variant classification. Additional details can be found in publication PMID: 35346344, PMCID: PMC8962531

NM_004415.4(DSP):c.3120G>C (p.Glu1040Asp)

Gene: DSP (desmoplakin; plus strand). Cytogenetic location: 6p24.3.
Variant type: single nucleotide variant.
Coding change: c.3120G>C on transcript NM_004415.4 (MANE Select); coding-DNA position 3120, G replaced by C.
Protein change: p.Glu1040Asp; replaces glutamic acid 1040 with aspartic acid.
Molecular consequence: missense variant.
Genome position (GRCh38, 1-based): chr6:7,579,310, G>C. VCF-style: chr6-7579310-G-C. GRCh37 (hg19) VCF-style: chr6-7579543-G-C.
Other names: c.3120G>C, p.Glu1040Asp (NM_001008844.3, NM_001319034.2); short protein forms E1040D.
Identifiers: ClinVar variation 3386656 (VCV003386656.1).